The following is an entry in ClinVar:

NM_201384.3(PLEC):c.9244G>A (p.Val3082Met)

Gene: PLEC (plectin; minus strand). Cytogenetic location: 8q24.3.
Variant type: single nucleotide variant.
Coding change: c.9244G>A on transcript NM_201384.3 (MANE Select); coding-DNA position 9244, G replaced by A.
Protein change: p.Val3082Met; replaces valine 3082 with methionine.
Molecular consequence: missense variant.
Genome position (GRCh38, 1-based): chr8:143,920,577, C>T on the plus strand (G>A on the coding strand, the complement: PLEC is on the minus strand). VCF-style: chr8-143920577-C-T. GRCh37 (hg19) VCF-style: chr8-144994745-C-T.
Other names: c.9202G>A, p.Val3068Met (NM_201378.4); c.9178G>A, p.Val3060Met (NM_201379.3); c.9655G>A, p.Val3219Met (NM_201380.4); c.9148G>A, p.Val3050Met (NM_201381.3); c.9244G>A, p.Val3082Met (NM_201382.4); c.9256G>A, p.Val3086Met (NM_201383.3); c.9325G>A, p.Val3109Met (NM_000445.5); short protein forms V3050M, V3068M, V3219M, V3082M, V3086M, V3109M, V3060M.
Identifiers: ClinVar variation 538948 (VCV000538948.10), dbSNP rs1180116791, ClinGen allele CA372513136.
Genomic context (GRCh38, chr8:143,920,577, plus strand): 5'-CAGCCTTCTCGGCTGATAGCAGCTTCTCATGAAACTCGGGGCCCACCAGGCCAGCACGCA[C>T]TGCCTCGTCCACGGTCAGCCGGGCGCTGGTGGCGGGGTCGATGATGTGCCCGGTGCCGGC-3'
Protein context (NP_958786.1, residues 3072-3092): TSARLTVDEA[Val3082Met]RAGLVGPEFH

ClinVar aggregate classification (germline): Uncertain significance (1 of 4 stars; one submission).

Conditions:
Epidermolysis bullosa simplex with nail dystrophy (EBS5D). Identifiers: MedGen C4225309, MONDO:0014661, OMIM 616487.
Epidermolysis bullosa simplex 5B, with muscular dystrophy (EBS5B). Also called: EPIDERMOLYSIS BULLOSA SIMPLEX AND LIMB-GIRDLE MUSCULAR DYSTROPHY; Epidermolysis bullosa simplex with muscular dystrophy. Identifiers: Orphanet 257, MedGen C2931072, MONDO:0009181, OMIM 226670.
Epidermolysis bullosa simplex, Ogna type (EBS5A). Also called: Pidermolysis bullosa simplex 5A, Ogna type; EPIDERMOLYSIS BULLOSA SIMPLEX 5A, OGNA TYPE. Identifiers: Orphanet 79401, MedGen C0432317, MONDO:0007555, OMIM 131950.
Autosomal recessive limb-girdle muscular dystrophy type 2Q (LGMDR17). Also called: MUSCULAR DYSTROPHY, LIMB-GIRDLE, AUTOSOMAL RECESSIVE 17. Identifiers: Orphanet 254361, MedGen C3150989, MONDO:0013390, OMIM 613723.
Epidermolysis bullosa simplex 5C, with pyloric atresia (EBS5C). Also called: PLEC-Related Epidermolysis Bullosa with Pyloric Atresia; Epidermolysis bullosa simplex with pyloric atresia; PLEC1-Related Epidermolysis Bullosa with Pyloric Atresia. Identifiers: Orphanet 158684, MedGen C2677349, MONDO:0012807, OMIM 612138.

Allele frequency attached by ClinVar (database versions not stated): gnomAD 0.00002 and 0.00003; TOPMed 0.00003.
gnomAD v4.1: 5 of 1,610,868 alleles (0.00031%); highest among the groups gnomAD compares: Admixed American, 0.005%; no homozygotes.

Submission:

Labcorp Genetics (formerly Invitae), Labcorp
Classification: Uncertain significance for Autosomal recessive limb-girdle muscular dystrophy type 2Q; Epidermolysis bullosa simplex, Ogna type; Epidermolysis bullosa simplex with nail dystrophy; Epidermolysis bullosa simplex 5C, with pyloric atresia; Epidermolysis bullosa simplex 5B, with muscular dystrophy. Last evaluated: 2018-12-05. Review status: criteria provided, single submitter. Criteria: Invitae Variant Classification Sherloc (09022015). Collection method: clinical testing. Allele origin: germline.
Comment: This sequence change replaces valine with methionine at codon 3109 of the PLEC protein (p.Val3109Met). The valine residue is highly conserved and there is a small physicochemical difference between valine and methionine. This variant is not present in population databases (ExAC no frequency). This variant has not been reported in the literature in individuals with PLEC-related conditions. ClinVar contains an entry for this variant (Variation ID: 538948). Algorithms developed to predict the effect of missense changes on protein structure and function are either unavailable or do not agree on the potential impact of this missense change (SIFT: "Deleterious"; PolyPhen-2: "Probably Damaging"; Align-GVGD: "Class C15"). In summary, the available evidence is currently insufficient to determine the role of this variant in disease. Therefore, it has been classified as a Variant of Uncertain Significance.